The following is an entry in ClinVar:

NM_001271.4(CHD2):c.4073A>C (p.Glu1358Ala)

Gene: CHD2 (chromodomain helicase DNA binding protein 2; plus strand). Cytogenetic location: 15q26.1.
Variant type: single nucleotide variant.
Coding change: c.4073A>C on transcript NM_001271.4 (MANE Select); coding-DNA position 4073, A replaced by C.
Protein change: p.Glu1358Ala; replaces glutamic acid 1358 with alanine.
Molecular consequence: missense variant.
Genome position (GRCh38, 1-based): chr15:93,000,576, A>C. VCF-style: chr15-93000576-A-C. GRCh37 (hg19) VCF-style: chr15-93543806-A-C.
Other names: short protein forms E1358A.
Identifiers: ClinVar variation 1371034 (VCV001371034.8), dbSNP rs2141871726, ClinGen allele CA393900427.
Genomic context (GRCh38, chr15:93,000,576, plus strand): 5'-AATTAAAGAAGCGGAAGCCTCGGGTAAAGAAGGAAAACAAAGTGCCCAGGCTGAAAGAGG[A>C]GCATGGAATTGAGCTTTCATCTCCTAGGCATTCAGATAATCCATCAGAAGAGGGAGAAGT-3'
Protein context (NP_001262.3, residues 1348-1368): KENKVPRLKE[Glu1358Ala]HGIELSSPRH

ClinVar aggregate classification (germline): Uncertain significance (1 of 4 stars; one submission).

Conditions:
Developmental and epileptic encephalopathy 94 (DEE94). Also called: CHD2-Related Neurodevelopmental Disorders; Epileptic encephalopathy, childhood-onset. Identifiers: Orphanet 1942, Orphanet 2382, MedGen C3809278, MONDO:0014150, OMIM 615369.

Submission:

Labcorp Genetics (formerly Invitae), Labcorp
Classification: Uncertain significance for Developmental and epileptic encephalopathy 94. Last evaluated: 2022-06-13. Review status: criteria provided, single submitter. Criteria: Invitae Variant Classification Sherloc (09022015). Collection method: clinical testing. Allele origin: germline.
Comment: Advanced modeling of protein sequence and biophysical properties (such as structural, functional, and spatial information, amino acid conservation, physicochemical variation, residue mobility, and thermodynamic stability) performed at Invitae indicates that this missense variant is not expected to disrupt CHD2 protein function. In summary, the available evidence is currently insufficient to determine the role of this variant in disease. Therefore, it has been classified as a Variant of Uncertain Significance. This variant has not been reported in the literature in individuals affected with CHD2-related conditions. This variant is not present in population databases (gnomAD no frequency). This sequence change replaces glutamic acid, which is acidic and polar, with alanine, which is neutral and non-polar, at codon 1358 of the CHD2 protein (p.Glu1358Ala).